The following is an entry in ClinVar:

NM_001042492.3(NF1):c.4058C>G (p.Ser1353Cys)

Gene: NF1 (neurofibromin 1; plus strand). Cytogenetic location: 17q11.2.
Variant type: single nucleotide variant.
Coding change: c.4058C>G on transcript NM_001042492.3 (MANE Select); coding-DNA position 4058, C replaced by G.
Protein change: p.Ser1353Cys; replaces serine 1353 with cysteine.
Molecular consequence: missense variant.
Genome position (GRCh38, 1-based): chr17:31,249,067, C>G. VCF-style: chr17-31249067-C-G. GRCh37 (hg19) VCF-style: chr17-29576085-C-G.
Other names: c.4058C>G, p.Ser1353Cys (NM_000267.4); short protein forms S1353C.
Identifiers: ClinVar variation 3404718 (VCV003404718.1).
Genomic context (GRCh38, chr17:31,249,067, plus strand): 5'-AGGAAAACCAGCGGAACCTCCTTCAGATGACTGAAAAGTTCTTCCATGCCATCATCAGTT[C>G]CTCCTCAGAATTCCCCCCTCAACTTCGAAGTGTGTGCCACTGTTTATACCAGGTATGCTT-3'
Protein context (NP_001035957.1, residues 1343-1363): TEKFFHAIIS[Ser1353Cys]SSEFPPQLRS

ClinVar aggregate classification (germline): Uncertain significance (1 of 4 stars; one submission).

Conditions:
Hereditary cancer-predisposing syndrome. Also called: Hereditary Cancer Syndrome; Tumor predisposition; Hereditary neoplastic syndrome; Neoplastic Syndromes, Hereditary. Identifiers: Orphanet 140162, MedGen C0027672, MeSH D009386, MONDO:0015356.
Cardiovascular phenotype. Identifiers: MedGen CN230736.

Submission:

Ambry Genetics
Classification: Uncertain significance for Cardiovascular phenotype; Hereditary cancer-predisposing syndrome. Last evaluated: 2024-08-22. Review status: criteria provided, single submitter. Criteria: Ambry Variant Classification Scheme 2023. Collection method: clinical testing. Allele origin: germline.
Comment: The p.S1353C variant (also known as c.4058C>G), located in coding exon 30 of the NF1 gene, results from a C to G substitution at nucleotide position 4058. The serine at codon 1353 is replaced by cysteine, an amino acid with dissimilar properties. This amino acid position is conserved. In addition, this alteration is predicted to be deleterious by in silico analysis. Based on the available evidence, the clinical significance of this variant remains unclear.